The following is an entry in ClinVar:

NM_001199267.2(DGKZ):c.1286C>G (p.Ala429Gly)

Gene: DGKZ (diacylglycerol kinase zeta; plus strand). Cytogenetic location: 11p11.2.
Variant type: single nucleotide variant.
Coding change: c.1286C>G on transcript NM_001199267.2 (MANE Select); coding-DNA position 1286, C replaced by G.
Protein change: p.Ala429Gly; replaces alanine 429 with glycine.
Molecular consequence: missense variant.
Genome position (GRCh38, 1-based): chr11:46,373,064, C>G. VCF-style: chr11-46373064-C-G. GRCh37 (hg19) VCF-style: chr11-46394614-C-G.
Other names: c.1853C>G, p.Ala618Gly (NM_001105540.2); c.1289C>G, p.Ala430Gly (NM_001199266.2, NM_003646.4); c.1220C>G, p.Ala407Gly (NM_001199268.2); c.1337C>G, p.Ala446Gly (NM_201532.3); c.1301C>G, p.Ala434Gly (NM_201533.3); short protein forms A407G, A618G, A430G, A446G, A429G, A434G.
Identifiers: ClinVar variation 2834596 (VCV002834596.3), dbSNP rs2496509656, ClinGen allele CA380221168.

ClinVar aggregate classification (germline): Uncertain significance (1 of 4 stars; one submission).

gnomAD v4.1: 1 of 1,544,462 alleles (0.000065%); highest among the groups gnomAD compares: African/African-American, 0.0014%; no homozygotes.

Submission:

Labcorp Genetics (formerly Invitae), Labcorp
Classification: Uncertain significance. Last evaluated: 2023-08-10. Review status: criteria provided, single submitter. Criteria: Invitae Variant Classification Sherloc (09022015). Collection method: clinical testing. Allele origin: germline.
Comment: This sequence change replaces alanine, which is neutral and non-polar, with glycine, which is neutral and non-polar, at codon 618 of the DGKZ protein (p.Ala618Gly). This variant is not present in population databases (gnomAD no frequency). This variant has not been reported in the literature in individuals affected with DGKZ-related conditions. An algorithm developed to predict the effect of missense changes on protein structure and function (PolyPhen-2) suggests that this variant is likely to be tolerated. In summary, the available evidence is currently insufficient to determine the role of this variant in disease. Therefore, it has been classified as a Variant of Uncertain Significance.